The following is an entry in ClinVar:

ClinVar aggregate classification (germline): Uncertain significance (1 of 4 stars; one submission).

gnomAD v4.1: 1 of 1,614,250 alleles (0.000062%); highest among the groups gnomAD compares: Non-Finnish European, 0.000085%; no homozygotes.

Submission:

Women's Health and Genetics/Laboratory Corporation of America, LabCorp
Classification: Uncertain significance. Last evaluated: 2024-08-22. Review status: criteria provided, single submitter. Criteria: LabCorp Variant Classification Summary - May 2015. Collection method: clinical testing. Allele origin: germline.
Comment: Variant summary: TGM1 c.679C>G (p.Gln227Glu) results in a conservative amino acid change in the encoded protein sequence. Four of four in-silico tools predict a benign effect of the variant on protein function. The variant was absent in 251484 control chromosomes. The available data on variant occurrences in the general population are insufficient to allow any conclusion about variant significance. To our knowledge, no occurrence of c.679C>G in individuals affected with Lamellar Ichthyosis and no experimental evidence demonstrating its impact on protein function have been reported. No submitters have cited clinical-significance assessments for this variant to ClinVar. Based on the evidence outlined above, the variant was classified as uncertain significance.

NM_000359.3(TGM1):c.679C>G (p.Gln227Glu)

Gene: TGM1 (transglutaminase 1; minus strand). Cytogenetic location: 14q12.
Variant type: single nucleotide variant.
Coding change: c.679C>G on transcript NM_000359.3 (MANE Select); coding-DNA position 679, C replaced by G.
Protein change: p.Gln227Glu; replaces glutamine 227 with glutamic acid.
Molecular consequence: missense variant.
Genome position (GRCh38, 1-based): chr14:24,260,528, G>C on the plus strand (C>G on the coding strand, the complement: TGM1 is on the minus strand). VCF-style: chr14-24260528-G-C. GRCh37 (hg19) VCF-style: chr14-24729734-G-C.
Other names: short protein forms Q227E.
Identifiers: ClinVar variation 3366659 (VCV003366659.1).
Genomic context (GRCh38, chr14:24,260,528, plus strand): 5'-AGAGGATGTAGATCTCATTGCGGGGGTCAAAGGGCAACTGGAACTCCCCAGCGTCTGATT[G>C]TGTGCGGACTGTGAACTGAAACTTGCCGATGATGGCGTTGGGGGAAGTGTGGACCCGCAG-3'
Protein context (NP_000350.1, residues 217-237): IGKFQFTVRT[Gln227Glu]SDAGEFQLPF